The following is an entry in ClinVar:

ClinVar aggregate classification (germline): Uncertain significance (1 of 4 stars; one submission).

Submission:

Athena Diagnostics
Classification: Uncertain significance. Last evaluated: 2024-02-23. Review status: criteria provided, single submitter. Criteria: Athena Diagnostics Criteria. Collection method: clinical testing. Allele origin: unknown.
Comment: Available data are insufficient to determine the clinical significance of the variant at this time. This variant has not been reported in large, multi-ethnic general populations. Computational tools yielded predictions that this variant is unlikely to have an effect on normal RNA splicing.

NM_006796.3(AFG3L2):c.567A>G (p.Glu189=)

Gene: AFG3L2 (AFG3 like matrix AAA peptidase subunit 2; minus strand). Cytogenetic location: 18p11.21.
Variant type: single nucleotide variant.
Coding change: c.567A>G on transcript NM_006796.3 (MANE Select); coding-DNA position 567, A replaced by G.
Protein change: p.Glu189=; no amino-acid change (glutamic acid 189 retained).
Molecular consequence: synonymous variant.
Genome position (GRCh38, 1-based): chr18:12,363,842, T>C on the plus strand (A>G on the coding strand, the complement: AFG3L2 is on the minus strand). VCF-style: chr18-12363842-T-C. GRCh37 (hg19) VCF-style: chr18-12363841-T-C.
Identifiers: ClinVar variation 3571742 (VCV003571742.1).